The following is an entry in ClinVar:

ClinVar aggregate classification (germline): Uncertain significance (1 of 4 stars; one submission).

Allele frequency attached by ClinVar (database versions not stated): gnomAD 0.00001 and 0.00002; gnomAD exomes 0.00001 and below 0.00001; 1000 Genomes Project 30x 0.00016; 1000 Genomes Project 0.00020; ExAC 0.00001.
gnomAD v4.1: 5 of 1,610,212 alleles (0.00031%); highest among the groups gnomAD compares: African/African-American, 0.0053%; no homozygotes.

Submission:

Labcorp Genetics (formerly Invitae), Labcorp
Classification: Uncertain significance. Last evaluated: 2022-09-27. Review status: criteria provided, single submitter. Criteria: Invitae Variant Classification Sherloc (09022015). Collection method: clinical testing. Allele origin: germline.
Comment: In summary, the available evidence is currently insufficient to determine the role of this variant in disease. Therefore, it has been classified as a Variant of Uncertain Significance. Algorithms developed to predict the effect of missense changes on protein structure and function are either unavailable or do not agree on the potential impact of this missense change (SIFT: "Deleterious"; PolyPhen-2: "Benign"; Align-GVGD: "Class C65"). ClinVar contains an entry for this variant (Variation ID: 1522064). This variant has not been reported in the literature in individuals affected with MPDZ-related conditions. This variant is present in population databases (rs530539493, gnomAD 0.01%). This sequence change replaces aspartic acid, which is acidic and polar, with glycine, which is neutral and non-polar, at codon 475 of the MPDZ protein (p.Asp475Gly).

NM_001378778.1(MPDZ):c.1424A>G (p.Asp475Gly)

Gene: MPDZ (multiple PDZ domain crumbs cell polarity complex component; minus strand). Cytogenetic location: 9p23.
Variant type: single nucleotide variant.
Coding change: c.1424A>G on transcript NM_001378778.1 (MANE Select); coding-DNA position 1424, A replaced by G.
Protein change: p.Asp475Gly; replaces aspartic acid 475 with glycine.
Molecular consequence: missense variant.
Genome position (GRCh38, 1-based): chr9:13,205,966, T>C on the plus strand (A>G on the coding strand, the complement: MPDZ is on the minus strand). VCF-style: chr9-13205966-T-C. GRCh37 (hg19) VCF-style: chr9-13205965-T-C.
Other names: c.1424A>G, p.Asp475Gly (NM_001261406.2, NM_001261407.2, NM_001330637.2 and 14 more transcripts); short protein forms D475G.
Identifiers: ClinVar variation 1522064 (VCV001522064.6), dbSNP rs530539493, ClinGen allele CA4987788.
Genomic context (GRCh38, chr9:13,205,966, plus strand): 5'-ATAGGATTACCTTTGATTATGCTGGCATTAACAGGAGACAAATCTGCATCTTTTGTGACG[T>C]CTTCCCTTGACATGAGCTCGGCTTCCTGCTTCATTCCTCTCCTCATTAGTGTCAGGAGCA-3'
Protein context (NP_001365707.1, residues 465-485): KQEAELMSRE[Asp475Gly]VTKDADLSPV